The following is an entry in ClinVar:

ClinVar aggregate classification (germline): Conflicting classifications of pathogenicity. Review status: criteria provided, conflicting classifications (1 of 4 stars). 2 submissions from 2 submitters: Uncertain significance (1); Likely benign (1). Last evaluated 2025-01-17.

Conditions:
Hereditary cancer-predisposing syndrome. Also called: Tumor predisposition; Hereditary neoplastic syndrome; Neoplastic Syndromes, Hereditary; Hereditary Cancer Syndrome. Identifiers: Orphanet 140162, MedGen C0027672, MeSH D009386, MONDO:0015356.
Familial adenomatous polyposis 1 (FAP1). Also called: POLYPOSIS, ADENOMATOUS INTESTINAL; FAMILIAL ADENOMATOUS POLYPOSIS 1, ATTENUATED. Identifiers: MedGen C2713442, MONDO:0021056, OMIM 175100. Disease mechanism: loss of function.

Submissions (2):

Labcorp Genetics (formerly Invitae), Labcorp
Classification: Uncertain significance for Familial adenomatous polyposis 1. Last evaluated: 2025-01-17. Review status: criteria provided, single submitter. Criteria: Invitae Variant Classification Sherloc (09022015). Collection method: clinical testing. Allele origin: germline.
Comment: This sequence change replaces methionine, which is neutral and non-polar, with valine, which is neutral and non-polar, at codon 2713 of the APC protein (p.Met2713Val). This variant is not present in population databases (gnomAD no frequency). This variant has not been reported in the literature in individuals affected with APC-related conditions. ClinVar contains an entry for this variant (Variation ID: 957959). Invitae Evidence Modeling of protein sequence and biophysical properties (such as structural, functional, and spatial information, amino acid conservation, physicochemical variation, residue mobility, and thermodynamic stability) indicates that this missense variant is not expected to disrupt APC protein function with a negative predictive value of 95%. In summary, the available evidence is currently insufficient to determine the role of this variant in disease. Therefore, it has been classified as a Variant of Uncertain Significance.

Ambry Genetics
Classification: Likely benign for Hereditary cancer-predisposing syndrome. Last evaluated: 2021-05-12. Review status: criteria provided, single submitter. Criteria: Ambry Variant Classification Scheme 2023. Collection method: clinical testing. Allele origin: germline.

NM_000038.6(APC):c.8137A>G (p.Met2713Val)

Gene: APC (APC regulator of Wnt signaling pathway; plus strand). Cytogenetic location: 5q22.2.
Variant type: single nucleotide variant.
Coding change: c.8137A>G on transcript NM_000038.6 (MANE Select); coding-DNA position 8137, A replaced by G.
Protein change: p.Met2713Val; replaces methionine 2713 with valine.
Molecular consequence: missense variant.
Genome position (GRCh38, 1-based): chr5:112,843,731, A>G. VCF-style: chr5-112843731-A-G. GRCh37 (hg19) VCF-style: chr5-112179428-A-G.
Other names: c.8137A>G, p.Met2713Val (NM_001127510.3, NM_001354895.2); c.8083A>G, p.Met2695Val (NM_001127511.3); c.8191A>G, p.Met2731Val (NM_001354896.2); c.8167A>G, p.Met2723Val (NM_001354897.2); c.8062A>G, p.Met2688Val (NM_001354898.2); c.8053A>G, p.Met2685Val (NM_001354899.2); c.8014A>G, p.Met2672Val (NM_001354900.2); c.7960A>G, p.Met2654Val (NM_001354901.2); and 5 more; short protein forms M2622V, M2654V, M2672V, M2713V, M2723V, M2612V, M2688V, M2731V.
Identifiers: ClinVar variation 957959 (VCV000957959.13), dbSNP rs80277939, ClinGen allele CA16039002.